The following is an entry in ClinVar:

ClinVar aggregate classification (germline): Uncertain significance (1 of 4 stars; one submission).

Allele frequency attached by ClinVar (database versions not stated): gnomAD exomes below 0.00001.
gnomAD v4.1: 2 of 1,613,864 alleles (0.00012%); highest among the groups gnomAD compares: Middle Eastern, 0.017%; no homozygotes.

Submission:

GeneDx
Classification: Uncertain significance. Last evaluated: 2022-12-19. Review status: criteria provided, single submitter. Criteria: GeneDx Variant Classification Process June 2021. Collection method: clinical testing. Allele origin: germline. Affected: yes.
Comment: Not observed at significant frequency in large population cohorts (gnomAD); In silico analysis supports that this missense variant does not alter protein structure/function; Has not been previously published as pathogenic or benign to our knowledge

NM_000666.3(ACY1):c.262A>C (p.Lys88Gln)

Genes: ABHD14A-ACY1 (ABHD14A-ACY1 readthrough; plus strand), ACY1 (aminoacylase 1; plus strand). Cytogenetic location: 3p21.2.
Variant type: single nucleotide variant.
Coding change: c.262A>C on transcript NM_000666.3 (MANE Select); coding-DNA position 262, A replaced by C.
Protein change: p.Lys88Gln; replaces lysine 88 with glutamine.
Molecular consequence: missense variant.
Genome position (GRCh38, 1-based): chr3:51,985,463, A>C. VCF-style: chr3-51985463-A-C. GRCh37 (hg19) VCF-style: chr3-52019479-A-C.
Other names: c.532A>C, p.Lys178Gln (NM_001316331.2); c.262A>C, p.Lys88Gln (NM_001198895.2, NM_001198896.2, NM_001198897.2); c.157A>C, p.Lys53Gln (NM_001198898.2); short protein forms K178Q, K53Q, K88Q.
Identifiers: ClinVar variation 2505614 (VCV002505614.1), dbSNP rs2471386167, ClinGen allele CA353087263.